The following is an entry in ClinVar:

ClinVar aggregate classification (germline): Uncertain significance. Review status: criteria provided, multiple submitters, no conflicts (2 of 4 stars). 2 submissions from 2 submitters: Uncertain significance (2). Last evaluated 2026-01-21.

Conditions:
Inborn genetic diseases. Identifiers: MedGen C0950123, MeSH D030342.

Allele frequency attached by ClinVar (database versions not stated): TOPMed 0.00002; ESP Exome Variant Server 0.00008.

Submissions (2):

Ambry Genetics
Classification: Uncertain significance for Inborn genetic diseases. Last evaluated: 2026-01-21. Review status: criteria provided, single submitter. Criteria: Ambry Variant Classification Scheme 2023. Collection method: clinical testing. Allele origin: germline.

GeneDx
Classification: Uncertain significance. Last evaluated: 2022-09-15. Review status: criteria provided, single submitter. Criteria: GeneDx Variant Classification Process June 2021. Collection method: clinical testing. Allele origin: germline. Affected: yes.
Comment: Not observed at significant frequency in large population cohorts (gnomAD); In silico analysis supports that this missense variant does not alter protein structure/function; Has not been previously published as pathogenic or benign to our knowledge

NM_001376.5(DYNC1H1):c.9579G>T (p.Glu3193Asp)

Gene: DYNC1H1 (dynein cytoplasmic 1 heavy chain 1; plus strand). Cytogenetic location: 14q32.31.
Variant type: single nucleotide variant.
Coding change: c.9579G>T on transcript NM_001376.5 (MANE Select); coding-DNA position 9579, G replaced by T.
Protein change: p.Glu3193Asp; replaces glutamic acid 3193 with aspartic acid.
Molecular consequence: missense variant.
Genome position (GRCh38, 1-based): chr14:102,029,649, G>T. VCF-style: chr14-102029649-G-T. GRCh37 (hg19) VCF-style: chr14-102495986-G-T.
Other names: short protein forms E3193D.
Identifiers: ClinVar variation 1767426 (VCV001767426.4), dbSNP rs377618077, ClinGen allele CA266964183.